The following is an entry in ClinVar:

NM_007194.4(CHEK2):c.444G>C (p.Arg148Ser)

Gene: CHEK2 (checkpoint kinase 2; minus strand). Cytogenetic location: 22q12.1.
Variant type: single nucleotide variant.
Coding change: c.444G>C on transcript NM_007194.4 (MANE Select); coding-DNA position 444, G replaced by C.
Protein change: p.Arg148Ser; replaces arginine 148 with serine.
Molecular consequence: missense variant. On other transcripts: 5 prime UTR variant (2).
Genome position (GRCh38, 1-based): chr22:28,725,243, C>G on the plus strand (G>C on the coding strand, the complement: CHEK2 is on the minus strand). VCF-style: chr22-28725243-C-G. GRCh37 (hg19) VCF-style: chr22-29121231-C-G.
Other names: c.573G>C, p.Arg191Ser (NM_001005735.3, NM_001438294.1); c.-334G>C (NM_001257387.3); c.444G>C, p.Arg148Ser (NM_001349956.3, NM_145862.3); c.-220G>C (NM_001437942.1); c.537G>C, p.Arg179Ser (NM_001438293.1, NM_001438295.1); short protein forms R179S, R191S, R148S.
Identifiers: ClinVar variation 4727805 (VCV004727805.1).
Genomic context (GRCh38, chr22:28,725,243, plus strand): 5'-TATCTAAAAACAATGACCAAATTACCAGCTCTCCTAGATACATGGGTATTCATTACCTAC[C>G]CTGAAAATCCGAAAGTGTTTCTTGCTGTATGTTCGGTATTTATCTGTTCTTTTCAGCAGT-3'
Protein context (NP_009125.1, residues 138-158): TYSKKHFRIF[Arg148Ser]EVGPKNSYIA

ClinVar aggregate classification (germline): Likely pathogenic (1 of 4 stars; one submission).

Conditions:
Familial cancer of breast. Also called: Hereditary breast cancer; hereditary breast carcinoma; BREAST CANCER, FAMILIAL. Identifiers: Orphanet 227535, MedGen C0346153, MONDO:0016419, OMIM 114480. Disease mechanism: loss of function.

Submission:

Labcorp Genetics (formerly Invitae), Labcorp
Classification: Likely pathogenic for Familial cancer of breast. Last evaluated: 2025-09-24. Review status: criteria provided, single submitter. Criteria: Invitae Variant Classification Sherloc (09022015). Collection method: clinical testing. Allele origin: germline.
Comment: This sequence change replaces arginine, which is basic and polar, with serine, which is neutral and polar, at codon 148 of the CHEK2 protein (p.Arg148Ser). RNA analysis indicates that this missense change induces altered splicing and may result in an absent or altered protein product. This variant is not present in population databases (gnomAD no frequency). This variant has not been reported in the literature in individuals affected with CHEK2-related conditions. An algorithm developed to predict the effect of missense changes on protein structure and function (PolyPhen-2) suggests that this variant is likely to be disruptive. Variants that disrupt the consensus splice site are a relatively common cause of aberrant splicing (PMID: 17576681, 9536098). Studies have shown that this missense change results in activation of a cryptic splice site, and produces a non-functional protein and/or introduces a premature termination codon (internal data). In summary, the currently available evidence indicates that the variant is pathogenic, but additional data are needed to prove that conclusively. Therefore, this variant has been classified as Likely Pathogenic.

Literature cited by the submitters: PubMed 17576681; PubMed 9536098.